The following is an entry in ClinVar:

NM_005359.6(SMAD4):c.570A>G (p.Ala190=)

Gene: SMAD4 (SMAD family member 4; plus strand). Cytogenetic location: 18q21.2.
Variant type: single nucleotide variant.
Coding change: c.570A>G on transcript NM_005359.6 (MANE Select); coding-DNA position 570, A replaced by G.
Protein change: p.Ala190=; no amino-acid change (alanine 190 retained).
Molecular consequence: synonymous variant. On other transcripts: non-coding transcript variant (2).
Genome position (GRCh38, 1-based): chr18:51,054,896, A>G. VCF-style: chr18-51054896-A-G. GRCh37 (hg19) VCF-style: chr18-48581266-A-G.
Other names: c.570A>G, p.Ala190= (NM_001407041.1, NM_001407042.1, NM_001407043.1).
Identifiers: ClinVar variation 3070454 (VCV003070454.4), dbSNP rs200717327, ClinGen allele CA503873731.

ClinVar aggregate classification (germline): Conflicting classifications of pathogenicity. Review status: criteria provided, conflicting classifications (1 of 4 stars). 3 submissions from 3 submitters: Uncertain significance (1); Benign (1); Likely benign (1). Last evaluated 2025-03-19.

Conditions:
Juvenile polyposis/hereditary hemorrhagic telangiectasia syndrome (JPHT). Also called: Juvenile Polyposis Syndrome / Hereditary Hemorrhagic Telangiectasia (JPS/HHT); JP/HHT SYNDROME; JUVENILE POLYPOSIS WITH HEREDITARY HEMORRHAGIC TELANGIECTASIA; POLYPOSIS, GENERALIZED JUVENILE, WITH PULMONARY ARTERIOVENOUS MALFORMATION; TELANGIECTASIA, HEREDITARY HEMORRHAGIC, WITH JUVENILE POLYPOSIS COLI. Identifiers: Orphanet 2929, MedGen C1832942, MONDO:0008278, OMIM 175050.
Juvenile polyposis syndrome (JPS). Identifiers: Orphanet 2929, MedGen C0345893, MONDO:0017380, OMIM 174900.

gnomAD v4.1: 1 of 1,614,168 alleles (0.000062%); highest among the groups gnomAD compares: Non-Finnish European, 0.000085%; no homozygotes.

Submissions (3):

Myriad Genetics, Inc.
Classification: Benign for Juvenile polyposis/hereditary hemorrhagic telangiectasia syndrome. Last evaluated: 2025-03-19. Review status: criteria provided, single submitter. Criteria: Myriad Autosomal Dominant, Autosomal Recessive and X-Linked Classification Criteria (2023). Collection method: clinical testing. Allele origin: unknown.
Comment: This variant is considered benign. This variant is a silent/synonymous amino acid change and it is not expected to impact splicing.

Labcorp Genetics (formerly Invitae), Labcorp
Classification: Likely benign for Juvenile polyposis syndrome. Last evaluated: 2024-09-23. Review status: criteria provided, single submitter. Criteria: Invitae Variant Classification Sherloc (09022015). Collection method: clinical testing. Allele origin: germline.

All of Us Research Program, National Institutes of Health
Classification: Uncertain significance for Juvenile polyposis/hereditary hemorrhagic telangiectasia syndrome. Last evaluated: 2023-04-10. Review status: criteria provided, single submitter. Criteria: ACMG Guidelines, 2015. Collection method: clinical testing. Allele origin: germline. Inheritance: Autosomal dominant inheritance. Observed: 1 variant allele, 1 heterozygote.
Comment: This variant is located in the SMAD4 protein. To our knowledge, functional studies have not been reported for this variant. This variant has not been reported in individuals affected with SMAD4-related disorders in the literature. This variant has not been identified in the general population by the Genome Aggregation Database (gnomAD). The available evidence is insufficient to determine the role of this variant in disease conclusively. Therefore, this variant is classified as a Variant of Uncertain Significance.

This study involves interpretation of variants in research participants for the purpose of population health screening. Participant phenotype was not available at the time of variant classification. Additional details can be found in publication PMID: 35346344, PMCID: PMC8962531